The following is an entry in ClinVar:

ClinVar aggregate classification (germline): Pathogenic (1 of 4 stars; one submission).

Conditions:
Hereditary cancer-predisposing syndrome. Also called: Tumor predisposition; Hereditary neoplastic syndrome; Hereditary Cancer Syndrome; Neoplastic Syndromes, Hereditary. Identifiers: Orphanet 140162, MedGen C0027672, MeSH D009386, MONDO:0015356.

Allele frequency attached by ClinVar (database versions not stated): gnomAD exomes below 0.00001.
gnomAD v4.1: 3 of 1,539,142 alleles (0.00019%); highest among the groups gnomAD compares: Non-Finnish European, 0.00027%; no homozygotes.

Submission:

Ambry Genetics
Classification: Pathogenic for Hereditary cancer-predisposing syndrome. Last evaluated: 2024-03-05. Review status: criteria provided, single submitter. Criteria: Ambry Variant Classification Scheme 2023. Collection method: clinical testing. Allele origin: germline.
Comment: The p.Q616* pathogenic mutation (also known as c.1846C>T), located in coding exon 12 of the NBN gene, results from a C to T substitution at nucleotide position 1846. This changes the amino acid from a glutamine to a stop codon within coding exon 12. This variant is considered to be rare based on population cohorts in the Genome Aggregation Database (gnomAD). This alteration is expected to result in loss of function by premature protein truncation or nonsense-mediated mRNA decay. As such, this alteration is interpreted as a disease-causing mutation.

NM_002485.5(NBN):c.1846C>T (p.Gln616Ter)

Genes: NBN (nibrin; minus strand), LOC126860438 (MED14-independent group 3 enhancer GRCh37_chr8:90959982-90961181; plus strand). Cytogenetic location: 8q21.3.
Variant type: single nucleotide variant.
Coding change: c.1846C>T on transcript NM_002485.5 (MANE Select); coding-DNA position 1846, C replaced by T.
Protein change: p.Gln616Ter; replaces glutamine 616 with a stop codon.
Molecular consequence: nonsense.
Genome position (GRCh38, 1-based): chr8:89,947,892, G>A on the plus strand (C>T on the coding strand, the complement: NBN is on the minus strand). VCF-style: chr8-89947892-G-A. GRCh37 (hg19) VCF-style: chr8-90960120-G-A.
Other names: c.1600C>T, p.Gln534Ter (NM_001024688.3); short protein forms Q534*, Q616*.
Identifiers: ClinVar variation 3222414 (VCV003222414.1), dbSNP rs1586043842, ClinGen allele CA371677328.